The following is an entry in ClinVar:

NM_000179.3(MSH6):c.357C>T (p.Phe119=)

Gene: MSH6 (mutS homolog 6; plus strand). Cytogenetic location: 2p16.3.
Variant type: single nucleotide variant.
Coding change: c.357C>T on transcript NM_000179.3 (MANE Select); coding-DNA position 357, C replaced by T.
Protein change: p.Phe119=; no amino-acid change (phenylalanine 119 retained).
Molecular consequence: synonymous variant. On other transcripts: 5 prime UTR variant (2), intron variant (1).
Genome position (GRCh38, 1-based): chr2:47,791,023, C>T. VCF-style: chr2-47791023-C-T. GRCh37 (hg19) VCF-style: chr2-48018162-C-T.
Other names: c.-380C>T (NM_001281493.2); c.-546C>T (NM_001281494.2); c.237+7553C>T (NM_001281492.2).
Identifiers: ClinVar variation 823952 (VCV000823952.14), dbSNP rs1298565919, ClinGen allele CA425989387.

ClinVar aggregate classification (germline): Conflicting classifications of pathogenicity. Review status: criteria provided, conflicting classifications (1 of 4 stars). 4 submissions from 4 submitters: Uncertain significance (1); Benign (1); Likely benign (2). Last evaluated 2024-12-18.

Conditions:
Mismatch repair cancer syndrome 3. Identifiers: MedGen C5436807, MONDO:0030841, OMIM 619097.
Endometrial carcinoma. Also called: Endometrial carcinoma, somatic. Identifiers: MedGen C0476089, MONDO:0002447, OMIM 608089, HP:0012114.
Lynch syndrome 5 (LYNCH5). Also called: Colorectal cancer, hereditary nonpolyposis, type 5; Hereditary non-polyposis colorectal cancer, type 5. Identifiers: Orphanet 144, MedGen C1833477, MONDO:0013710, OMIM 614350. Disease mechanism: loss of function.
Hereditary cancer-predisposing syndrome. Also called: Neoplastic Syndromes, Hereditary; Tumor predisposition; Hereditary neoplastic syndrome; Hereditary Cancer Syndrome. Identifiers: Orphanet 140162, MedGen C0027672, MeSH D009386, MONDO:0015356.
Hereditary nonpolyposis colorectal neoplasms. Identifiers: MedGen C0009405, MeSH D003123.

gnomAD v4.1: 1 of 1,614,214 alleles (0.000062%); highest among the groups gnomAD compares: Non-Finnish European, 0.000085%; no homozygotes.

Submissions (4):

Myriad Genetics, Inc.
Classification: Benign for Lynch syndrome 5. Last evaluated: 2024-12-18. Review status: criteria provided, single submitter. Criteria: Myriad Autosomal Dominant, Autosomal Recessive and X-Linked Classification Criteria (2023). Collection method: clinical testing. Allele origin: unknown.
Comment: This variant is considered benign. This variant is a silent/synonymous amino acid change and it is not expected to impact splicing.

Labcorp Genetics (formerly Invitae), Labcorp
Classification: Likely benign for Hereditary nonpolyposis colorectal neoplasms. Last evaluated: 2023-03-02. Review status: criteria provided, single submitter. Criteria: Invitae Variant Classification Sherloc (09022015). Collection method: clinical testing. Allele origin: germline.

Department of Pathology and Laboratory Medicine, Sinai Health System
Classification: Uncertain significance for Endometrial carcinoma; Lynch syndrome 5; Mismatch repair cancer syndrome 3. Last evaluated: 2022-09-13. Review status: criteria provided, single submitter. Criteria: ACMG Guidelines, 2015. Collection method: clinical testing. Allele origin: germline. Affected: no.

Ambry Genetics
Classification: Likely benign for Hereditary cancer-predisposing syndrome. Last evaluated: 2019-02-20. Review status: criteria provided, single submitter. Criteria: Ambry Variant Classification Scheme 2023. Collection method: clinical testing. Allele origin: germline.